The following is an entry in ClinVar:

NM_031229.4(RBCK1):c.49C>T (p.Arg17Ter)

Gene: RBCK1 (RANBP2-type and C3HC4-type zinc finger containing 1; plus strand). Cytogenetic location: 20p13.
Variant type: single nucleotide variant.
Coding change: c.49C>T on transcript NM_031229.4 (MANE Select); coding-DNA position 49, C replaced by T.
Protein change: p.Arg17Ter; replaces arginine 17 with a stop codon.
Molecular consequence: nonsense. On other transcripts: 5 prime UTR variant (1), non-coding transcript variant (1), intron variant (2).
Genome position (GRCh38, 1-based): chr20:409,907, C>T. VCF-style: chr20-409907-C-T. GRCh37 (hg19) VCF-style: chr20-390551-C-T.
Other names: c.-301C>T (NM_001323956.2); c.49C>T, p.Arg17Ter (NM_001323960.2); c.100C>T, p.Arg34Ter (NM_001410770.1); c.41+1128C>T (NM_006462.6); c.-183+1128C>T (NM_001323958.2); short protein forms R34*, R17*.
Identifiers: ClinVar variation 2105689 (VCV002105689.4), dbSNP rs751005507, ClinGen allele CA9722868.

ClinVar aggregate classification (germline): Pathogenic (1 of 4 stars; one submission).

Conditions:
Polyglucosan body myopathy type 1 (PGBM1). Also called: Polyglucosan body myopathy 1 with or without immunodeficiency; POLYGLUCOSAN BODY MYOPATHY WITHOUT IMMUNODEFICIENCY. Identifiers: Orphanet 329173, Orphanet 397937, MedGen C4014605, MONDO:0014389, OMIM 615895.

Allele frequency attached by ClinVar (database versions not stated): ExAC 0.00001.
gnomAD v4.1: 6 of 1,614,076 alleles (0.00037%); highest among the groups gnomAD compares: East Asian, 0.0022%; no homozygotes.

Submission:

Labcorp Genetics (formerly Invitae), Labcorp
Classification: Pathogenic for Polyglucosan body myopathy type 1. Last evaluated: 2025-12-01. Review status: criteria provided, single submitter. Criteria: Invitae Variant Classification Sherloc (09022015). Collection method: clinical testing. Allele origin: germline.
Comment: This sequence change creates a premature translational stop signal (p.Arg17*) in the RBCK1 gene. It is expected to result in an absent or disrupted protein product. Loss-of-function variants in RBCK1 are known to be pathogenic (PMID: 2379848, 23104095, 23889995). This variant is present in population databases (rs751005507, gnomAD 0.0009%). This variant has not been reported in the literature in individuals affected with RBCK1-related conditions. ClinVar contains an entry for this variant (Variation ID: 2105689). Algorithms developed to predict the effect of sequence changes on RNA splicing suggest that this variant may disrupt the consensus splice site. For these reasons, this variant has been classified as Pathogenic.

Literature cited by the submitters: PubMed 2379848; PubMed 23104095; PubMed 23889995.